The following is an entry in ClinVar:

NM_005069.6(SIM2):c.461A>G (p.Tyr154Cys)

Gene: SIM2 (SIM bHLH transcription factor 2; plus strand). Cytogenetic location: 21q22.13.
Variant type: single nucleotide variant.
Coding change: c.461A>G on transcript NM_005069.6 (MANE Select); coding-DNA position 461, A replaced by G.
Protein change: p.Tyr154Cys; replaces tyrosine 154 with cysteine.
Molecular consequence: missense variant.
Genome position (GRCh38, 1-based): chr21:36,723,048, A>G. VCF-style: chr21-36723048-A-G. GRCh37 (hg19) VCF-style: chr21-38095349-A-G.
Other names: c.461A>G, p.Tyr154Cys (NM_009586.5); short protein forms Y154C.
Identifiers: ClinVar variation 1334899 (VCV001334899.3), dbSNP rs201840539, ClinGen allele CA10019760.

ClinVar aggregate classification (germline): Likely pathogenic (0 of 4 stars; one submission).

Conditions:
Neurodevelopmental with craniofacial anomalies disorder.

Allele frequency attached by ClinVar (database versions not stated): ExAC 0.00002; gnomAD exomes 0.00003 and 0.00005; gnomAD 0.00006 and 0.00007; TOPMed 0.00006; 1000 Genomes Project 30x 0.00016; 1000 Genomes Project 0.00020.
gnomAD v4.1: 55 of 1,613,852 alleles (0.0034%); highest among the groups gnomAD compares: Middle Eastern, 0.066%; no homozygotes.

Submission:

Human Genetics Section, Sidra Medicine
Classification: Likely pathogenic for Neurodevelopmental with craniofacial anomalies disorder. Last evaluated: 2021-12-08. Review status: no assertion criteria provided. Collection method: research, in vivo, in vitro. Allele origin: inherited, not applicable. Inheritance: Autosomal recessive inheritance. Affected: yes. Observed: 1 homozygote.
Comment: The identified variant is very rare (ExAC AF 2.47E-5, gnomAD AF 9.85E-5, GME AF 5.04E-4) and segregating in the family in an autosomal recessive inheritance. Additionally, functional studies on zebrafish showed that the Tyr154Cys variant caused craniofacial abnormalities mimicking the patient's phenotype.